The following is an entry in ClinVar:

NM_000038.6(APC):c.1958+43T>C

Gene: APC (APC regulator of Wnt signaling pathway; plus strand). Cytogenetic location: 5q22.2.
Variant type: single nucleotide variant.
Coding change: c.1958+43T>C on transcript NM_000038.6 (MANE Select); 43 bases into the intron after coding-DNA position 1958, T replaced by C.
Molecular consequence: intron variant.
Genome position (GRCh38, 1-based): chr5:112,835,208, T>C. VCF-style: chr5-112835208-T-C. GRCh37 (hg19) VCF-style: chr5-112170905-T-C.
Other names: c.1109+43T>C (NM_001407470.1, NM_001354906.2); c.806+43T>C (NM_001407472.1, NM_001407471.1); c.2012+43T>C (NM_001407447.1, NM_001407448.1, NM_001407449.1 and 1 more transcripts); c.1958+43T>C (NM_001354895.2, NM_001407450.1, NM_001127510.3); c.1709+43T>C (NM_001407456.1, NM_001407457.1, NM_001407455.1 and 1 more transcripts); c.1655+43T>C (NM_001407460.1, NM_001407458.1, NM_001407459.1 and 1 more transcripts); c.1928+43T>C (NM_001407452.1); c.1571+43T>C (NM_001407469.1, NM_001407467.1); and 11 more.
Identifiers: ClinVar variation 3148779 (VCV003148779.1), dbSNP rs2149845102, ClinGen allele CA2674855652.
Genomic context (GRCh38, chr5:112,835,208, plus strand): 5'-TACAAATGAGGACCACAGGTATATATAGAGTTTTATATTACTTTTAAAGTACAGAATTCA[T>C]ACTCTCAAAAAGACCTAATTGTAAGCAATGTTTTATATAATCATGAAAGTTTTAAGCCAA-3'

ClinVar aggregate classification (germline): Benign (1 of 4 stars; one submission).

Conditions:
Familial adenomatous polyposis 1 (FAP1). Also called: POLYPOSIS, ADENOMATOUS INTESTINAL; FAMILIAL ADENOMATOUS POLYPOSIS 1, ATTENUATED. Identifiers: MedGen C2713442, MONDO:0021056, OMIM 175100. Disease mechanism: loss of function.

Allele frequency attached by ClinVar (database versions not stated): gnomAD exomes below 0.00001.
gnomAD v4.1: 1 of 1,526,124 alleles (0.000066%); highest among the groups gnomAD compares: Non-Finnish European, 0.00009%; no homozygotes.

Submission:

Myriad Genetics, Inc.
Classification: Benign for Familial adenomatous polyposis 1. Last evaluated: 2024-03-08. Review status: criteria provided, single submitter. Criteria: Myriad Autosomal Dominant, Autosomal Recessive and X-Linked Classification Criteria (2023). Collection method: clinical testing. Allele origin: unknown.
Comment: This variant is considered benign. This variant is intronic and is not expected to impact mRNA splicing.